The following is an entry in ClinVar:

ClinVar aggregate classification (germline): Uncertain significance (1 of 4 stars; one submission).

Conditions:
Tuberous sclerosis 2 (TSC2). Identifiers: Orphanet 805, MedGen C1860707, MONDO:0013199, OMIM 613254.

Submission:

Labcorp Genetics (formerly Invitae), Labcorp
Classification: Uncertain significance for Tuberous sclerosis 2. Last evaluated: 2024-01-29. Review status: criteria provided, single submitter. Criteria: Invitae Variant Classification Sherloc (09022015). Collection method: clinical testing. Allele origin: germline.
Comment: This sequence change replaces valine, which is neutral and non-polar, with glycine, which is neutral and non-polar, at codon 1102 of the TSC2 protein (p.Val1102Gly). This variant is not present in population databases (gnomAD no frequency). This variant has not been reported in the literature in individuals affected with TSC2-related conditions. Advanced modeling of protein sequence and biophysical properties (such as structural, functional, and spatial information, amino acid conservation, physicochemical variation, residue mobility, and thermodynamic stability) performed at Invitae indicates that this missense variant is not expected to disrupt TSC2 protein function with a negative predictive value of 95%. In summary, the available evidence is currently insufficient to determine the role of this variant in disease. Therefore, it has been classified as a Variant of Uncertain Significance.

NM_000548.5(TSC2):c.3305T>G (p.Val1102Gly)

Gene: TSC2 (TSC complex subunit 2; plus strand). Cytogenetic location: 16p13.3.
Variant type: single nucleotide variant.
Coding change: c.3305T>G on transcript NM_000548.5 (MANE Select); coding-DNA position 3305, T replaced by G.
Protein change: p.Val1102Gly; replaces valine 1102 with glycine.
Molecular consequence: missense variant. On other transcripts: non-coding transcript variant (5).
Genome position (GRCh38, 1-based): chr16:2,079,577, T>G. VCF-style: chr16-2079577-T-G. GRCh37 (hg19) VCF-style: chr16-2129578-T-G.
Other names: c.3176T>G, p.Val1059Gly (NM_021055.3, NM_001363528.2, NM_001370405.1); c.3173T>G, p.Val1058Gly (NM_001077183.3, NM_001370404.1, NM_001406665.1); c.3305T>G, p.Val1102Gly (NM_001114382.3); c.3065T>G, p.Val1022Gly (NM_001318827.2); c.3029T>G, p.Val1010Gly (NM_001318829.2); c.2573T>G, p.Val858Gly (NM_001318831.2, NM_001406687.1, NM_001406688.1); c.3206T>G, p.Val1069Gly (NM_001318832.2); c.3302T>G, p.Val1101Gly (NM_001406663.1, NM_001406664.1); and 18 more; short protein forms V1010G, V1021G, V1058G, V1088G, V654G, V858G, V859G, V901G.
Identifiers: ClinVar variation 2710801 (VCV002710801.3), dbSNP rs2544066004, ClinGen allele CA394286534.